The following is an entry in ClinVar:

NM_004655.4(AXIN2):c.90A>G (p.Glu30=)

Gene: AXIN2 (axin 2; minus strand). Cytogenetic location: 17q24.1.
Variant type: single nucleotide variant.
Coding change: c.90A>G on transcript NM_004655.4 (MANE Select); coding-DNA position 90, A replaced by G.
Protein change: p.Glu30=; no amino-acid change (glutamic acid 30 retained).
Molecular consequence: synonymous variant.
Genome position (GRCh38, 1-based): chr17:65,558,531, T>C on the plus strand (A>G on the coding strand, the complement: AXIN2 is on the minus strand). VCF-style: chr17-65558531-T-C. GRCh37 (hg19) VCF-style: chr17-63554649-T-C.
Other names: c.90A>G, p.Glu30= (NM_001363813.1); c.90A>G (LRG_296t1).
Identifiers: ClinVar variation 415214 (VCV000415214.15), dbSNP rs1060504483, ClinGen allele CA16615649.

ClinVar aggregate classification (germline): Benign/Likely benign. Review status: criteria provided, multiple submitters, no conflicts (2 of 4 stars). 3 submissions from 3 submitters: Benign (1); Likely benign (2). Last evaluated 2025-12-17.

Conditions:
Hereditary cancer-predisposing syndrome. Also called: Tumor predisposition; Neoplastic Syndromes, Hereditary; Hereditary neoplastic syndrome; Hereditary Cancer Syndrome. Identifiers: Orphanet 140162, MedGen C0027672, MeSH D009386, MONDO:0015356.
Oligodontia-cancer predisposition syndrome. Also called: TOOTH AGENESIS-COLORECTAL CANCER SYNDROME. Identifiers: Orphanet 300576, MedGen C1837750, MONDO:0012075, OMIM 608615. Disease mechanism: loss of function.

Allele frequency attached by ClinVar (database versions not stated): gnomAD exomes below 0.00001; gnomAD 0.00001.

Submissions (3):

Labcorp Genetics (formerly Invitae), Labcorp
Classification: Likely benign for Oligodontia-cancer predisposition syndrome. Last evaluated: 2025-12-17. Review status: criteria provided, single submitter. Criteria: Invitae Variant Classification Sherloc (09022015). Collection method: clinical testing. Allele origin: germline.

Myriad Genetics, Inc.
Classification: Benign for Oligodontia-cancer predisposition syndrome. Last evaluated: 2024-06-25. Review status: criteria provided, single submitter. Criteria: Myriad Autosomal Dominant, Autosomal Recessive and X-Linked Classification Criteria (2023). Collection method: clinical testing. Allele origin: unknown.
Comment: This variant is considered benign. This variant is a silent/synonymous amino acid change and it is not expected to impact splicing.

Ambry Genetics
Classification: Likely benign for Hereditary cancer-predisposing syndrome. Last evaluated: 2020-10-05. Review status: criteria provided, single submitter. Criteria: Ambry Variant Classification Scheme 2023. Collection method: clinical testing. Allele origin: germline.